The following is an entry in ClinVar:

NM_022367.4(SEMA4A):c.212G>A (p.Gly71Asp)

Gene: SEMA4A (semaphorin 4A; plus strand). Cytogenetic location: 1q22.
Variant type: single nucleotide variant.
Coding change: c.212G>A on transcript NM_022367.4 (MANE Select); coding-DNA position 212, G replaced by A.
Protein change: p.Gly71Asp; replaces glycine 71 with aspartic acid.
Molecular consequence: missense variant. On other transcripts: 5 prime UTR variant (4).
Genome position (GRCh38, 1-based): chr1:156,156,486, G>A. VCF-style: chr1-156156486-G-A. GRCh37 (hg19) VCF-style: chr1-156126277-G-A.
Other names: c.212G>A, p.Gly71Asp (NM_001193300.2, NM_001193301.2, NM_001370567.1); c.-86G>A (NM_001193302.2, NM_001370568.1); c.-313G>A (NM_001370569.1, NM_001370571.1); short protein forms G71D.
Identifiers: ClinVar variation 2175913 (VCV002175913.1), dbSNP rs774922987, ClinGen allele CA1154947.

ClinVar aggregate classification (germline): Uncertain significance (1 of 4 stars; one submission).

Allele frequency attached by ClinVar (database versions not stated): ExAC 0.00001; gnomAD exomes 0.00001; TOPMed 0.00002; gnomAD 0.00003.
gnomAD v4.1: 15 of 1,613,976 alleles (0.00093%); highest among the groups gnomAD compares: Admixed American, 0.0033%; no homozygotes.

Submission:

Labcorp Genetics (formerly Invitae), Labcorp
Classification: Uncertain significance. Last evaluated: 2021-10-14. Review status: criteria provided, single submitter. Criteria: Invitae Variant Classification Sherloc (09022015). Collection method: clinical testing. Allele origin: germline.
Comment: This sequence change replaces glycine with aspartic acid at codon 71 of the SEMA4A protein (p.Gly71Asp). The glycine residue is weakly conserved and there is a moderate physicochemical difference between glycine and aspartic acid. This variant is present in population databases (rs774922987, ExAC 0.009%). This variant has not been reported in the literature in individuals affected with SEMA4A-related conditions. Algorithms developed to predict the effect of missense changes on protein structure and function output the following: SIFT: "Tolerated"; PolyPhen-2: "Benign"; Align-GVGD: "Class C0". The aspartic acid amino acid residue is found in multiple mammalian species, which suggests that this missense change does not adversely affect protein function. In summary, the available evidence is currently insufficient to determine the role of this variant in disease. Therefore, it has been classified as a Variant of Uncertain Significance.